The following is an entry in ClinVar:

NM_001367721.1(CASK):c.1332C>T (p.His444=)

Gene: CASK (calcium/calmodulin dependent serine protein kinase; minus strand). Cytogenetic location: Xp11.4.
Variant type: single nucleotide variant.
Coding change: c.1332C>T on transcript NM_001367721.1 (MANE Select); coding-DNA position 1332, C replaced by T.
Protein change: p.His444=; no amino-acid change (histidine 444 retained).
Molecular consequence: synonymous variant.
Genome position (GRCh38, 1-based): chrX:41,578,511, G>A on the plus strand (C>T on the coding strand, the complement: CASK is on the minus strand). VCF-style: chrX-41578511-G-A. GRCh37 (hg19) VCF-style: chrX-41437764-G-A.
Other names: c.1332C>T, p.His444= (NM_001126054.3, NM_003688.4); c.1314C>T, p.His438= (NM_001126055.3, NM_001410745.1).
Identifiers: ClinVar variation 1169622 (VCV001169622.33), dbSNP rs753172505, ClinGen allele CA10390214.

ClinVar aggregate classification (germline): Benign/Likely benign. Review status: criteria provided, multiple submitters, no conflicts (2 of 4 stars). 2 submissions from 2 submitters: Benign (1); Likely benign (1). Last evaluated 2025-07-14.

Conditions:
Intellectual disability, CASK-related, X-linked. Identifiers: MedGen CN043158.

Allele frequency attached by ClinVar (database versions not stated): gnomAD exomes 0.00001; ExAC 0.00004; gnomAD 0.00006 and 0.00007.
gnomAD v4.1: 14 of 1,202,081 alleles (0.0012%); highest among the groups gnomAD compares: African/African-American, 0.018%; no homozygotes.

Submissions (2):

Labcorp Genetics (formerly Invitae), Labcorp
Classification: Benign for Intellectual disability, CASK-related, X-linked. Last evaluated: 2025-07-14. Review status: criteria provided, single submitter. Criteria: Invitae Variant Classification Sherloc (09022015). Collection method: clinical testing. Allele origin: germline.

CeGaT Center for Human Genetics Tuebingen
Classification: Likely benign. Last evaluated: 2022-04-01. Review status: criteria provided, single submitter. Criteria: CeGaT Center For Human Genetics Tuebingen Variant Classification Criteria Version 2. Collection method: clinical testing. Allele origin: germline. Affected: yes. Observed: 1 variant allele.
Comment: CASK: BP4, BP7